The following is an entry in ClinVar:

ClinVar aggregate classification (germline): Likely pathogenic (1 of 4 stars; one submission).

Conditions:
Mucopolysaccharidosis type 1. Also called: IDUA deficiency; MPS I; Mucopolysaccharidosis Type I. Identifiers: Orphanet 579, MedGen C0023786, MONDO:0001586.

Submission:

Labcorp Genetics (formerly Invitae), Labcorp
Classification: Likely pathogenic for Mucopolysaccharidosis type 1. Last evaluated: 2022-10-28. Review status: criteria provided, single submitter. Criteria: Invitae Variant Classification Sherloc (09022015). Collection method: clinical testing. Allele origin: germline.
Comment: In summary, the currently available evidence indicates that the variant is pathogenic, but additional data are needed to prove that conclusively. Therefore, this variant has been classified as Likely Pathogenic. Variants that disrupt the consensus splice site are a relatively common cause of aberrant splicing (PMID: 17576681, 9536098). Algorithms developed to predict the effect of sequence changes on RNA splicing suggest that this variant may disrupt the consensus splice site. Disruption of this splice site has been observed in individual(s) with mucopolysaccharidosis type I (PMID: 24798265; Invitae). In at least one individual the data is consistent with being in trans (on the opposite chromosome) from a pathogenic variant. This variant is not present in population databases (gnomAD no frequency). This sequence change affects an acceptor splice site in intron 13 of the IDUA gene. While this variant is not anticipated to result in nonsense mediated decay, it likely alters RNA splicing and results in a disrupted protein product.

Literature cited by the submitters: PubMed 17576681; PubMed 9536098; PubMed 24798265.

NM_000203.5(IDUA):c.1829-1G>C

Gene: IDUA (alpha-L-iduronidase; plus strand). Cytogenetic location: 4p16.3.
Variant type: single nucleotide variant.
Coding change: c.1829-1G>C on transcript NM_000203.5 (MANE Select); the canonical splice acceptor site of the intron before coding-DNA position 1829, G replaced by C.
Molecular consequence: splice acceptor variant.
Genome position (GRCh38, 1-based): chr4:1,004,259, G>C. VCF-style: chr4-1004259-G-C. GRCh37 (hg19) VCF-style: chr4-998047-G-C.
Other names: c.1433-1G>C (NM_001363576.1).
Identifiers: ClinVar variation 2155711 (VCV002155711.4), dbSNP rs745915863, ClinGen allele CA355965879.